The following is an entry in ClinVar:

ClinVar aggregate classification (germline): Uncertain significance. Review status: criteria provided, multiple submitters, no conflicts (2 of 4 stars). 2 submissions from 2 submitters: Uncertain significance (2). Last evaluated 2022-05-21.

Conditions:
Cardiovascular phenotype. Identifiers: MedGen CN230736.
Noonan syndrome 9 (NS9). Identifiers: Orphanet 648, MedGen C4225282, MONDO:0014691, OMIM 616559.

Allele frequency attached by ClinVar (database versions not stated): gnomAD 0.00001.
gnomAD v4.1: 2 of 1,614,072 alleles (0.00012%); highest among the groups gnomAD compares: Non-Finnish European, 0.000085%; no homozygotes.

Submissions (2):

Labcorp Genetics (formerly Invitae), Labcorp
Classification: Uncertain significance for Noonan syndrome 9. Last evaluated: 2022-05-21. Review status: criteria provided, single submitter. Criteria: Invitae Variant Classification Sherloc (09022015). Collection method: clinical testing. Allele origin: germline.
Comment: This variant is present in population databases (no rsID available, gnomAD 0.007%). This sequence change replaces isoleucine, which is neutral and non-polar, with leucine, which is neutral and non-polar, at codon 443 of the SOS2 protein (p.Ile443Leu). This variant has not been reported in the literature in individuals affected with SOS2-related conditions. In summary, the available evidence is currently insufficient to determine the role of this variant in disease. Therefore, it has been classified as a Variant of Uncertain Significance. Algorithms developed to predict the effect of missense changes on protein structure and function (SIFT, PolyPhen-2, Align-GVGD) all suggest that this variant is likely to be tolerated.

Ambry Genetics
Classification: Uncertain significance for Cardiovascular phenotype. Last evaluated: 2021-08-07. Review status: criteria provided, single submitter. Criteria: Ambry Variant Classification Scheme 2023. Collection method: clinical testing. Allele origin: germline.
Comment: The p.I443L variant (also known as c.1327A>C), located in coding exon 10 of the SOS2 gene, results from an A to C substitution at nucleotide position 1327. The isoleucine at codon 443 is replaced by leucine, an amino acid with highly similar properties. This amino acid position is conserved. In addition, the in silico prediction for this alteration is inconclusive. Since supporting evidence is limited at this time, the clinical significance of this alteration remains unclear.

NM_006939.4(SOS2):c.1327A>C (p.Ile443Leu)

Gene: SOS2 (SOS Ras/Rho guanine nucleotide exchange factor 2; minus strand). Cytogenetic location: 14q21.3.
Variant type: single nucleotide variant.
Coding change: c.1327A>C on transcript NM_006939.4 (MANE Select); coding-DNA position 1327, A replaced by C.
Protein change: p.Ile443Leu; replaces isoleucine 443 with leucine.
Molecular consequence: missense variant.
Genome position (GRCh38, 1-based): chr14:50,159,956, T>G on the plus strand (A>C on the coding strand, the complement: SOS2 is on the minus strand). VCF-style: chr14-50159956-T-G. GRCh37 (hg19) VCF-style: chr14-50626674-T-G.
Other names: c.1228A>C, p.Ile410Leu (NM_001411020.1); short protein forms I443L, I410L.
Identifiers: ClinVar variation 1770025 (VCV001770025.7), dbSNP rs1046033964, ClinGen allele CA260736285.
Genomic context (GRCh38, chr14:50,159,956, plus strand): 5'-CAAACAGAAAAATATGCCGTTCATGTTTGGCACCGATTCTTGTCAATGGTCCCTCCATAA[T>G]GAATTCATTACAACACTGTCCAATATCTTTGCCTTCCCATCCATCGATATTTTTCTGAAT-3'
Protein context (NP_008870.2, residues 433-453): KDIGQCCNEF[Ile443Leu]MEGPLTRIGA